The following is an entry in ClinVar:

ClinVar aggregate classification (germline): Uncertain significance. Review status: criteria provided, multiple submitters, no conflicts (2 of 4 stars). 3 submissions from 3 submitters: Uncertain significance (3). Last evaluated 2023-12-14.

Conditions:
Familial cancer of breast. Also called: BREAST CANCER, FAMILIAL; Hereditary breast cancer; hereditary breast carcinoma. Identifiers: Orphanet 227535, MedGen C0346153, MONDO:0016419, OMIM 114480. Disease mechanism: loss of function.
Ataxia-telangiectasia syndrome (AT). Also called: Ataxia-telangiectasia, complementation group E; Ataxia telangiectasia (A-T); LOUIS-BAR SYNDROME; ATAXIA-TELANGIECTASIA, FRESNO VARIANT; AT, COMPLEMENTATION GROUP C; Ataxia-telangiectasia. Identifiers: Orphanet 100, MedGen C0004135, MONDO:0008840, OMIM 208900.
Hereditary cancer-predisposing syndrome. Also called: Neoplastic Syndromes, Hereditary; Hereditary neoplastic syndrome; Hereditary Cancer Syndrome; Tumor predisposition. Identifiers: Orphanet 140162, MedGen C0027672, MeSH D009386, MONDO:0015356.

Allele frequency attached by ClinVar (database versions not stated): TOPMed 0.00001.

Submissions (3):

Ambry Genetics
Classification: Uncertain significance for Hereditary cancer-predisposing syndrome. Last evaluated: 2023-12-14. Review status: criteria provided, single submitter. Criteria: Ambry Variant Classification Scheme 2023. Collection method: clinical testing. Allele origin: germline.
Comment: The p.L1555P variant (also known as c.4664T>C), located in coding exon 30 of the ATM gene, results from a T to C substitution at nucleotide position 4664. The leucine at codon 1555 is replaced by proline, an amino acid with similar properties. This amino acid position is conserved. In addition, the in silico prediction for this alteration is inconclusive. Since supporting evidence is limited at this time, the clinical significance of this alteration remains unclear.

Labcorp Genetics (formerly Invitae), Labcorp
Classification: Uncertain significance for Ataxia-telangiectasia syndrome. Last evaluated: 2023-09-10. Review status: criteria provided, single submitter. Criteria: Invitae Variant Classification Sherloc (09022015). Collection method: clinical testing. Allele origin: germline.
Comment: In summary, the available evidence is currently insufficient to determine the role of this variant in disease. Therefore, it has been classified as a Variant of Uncertain Significance. An algorithm developed to predict the effect of missense changes on protein structure and function (PolyPhen-2) suggests that this variant is likely to be disruptive. ClinVar contains an entry for this variant (Variation ID: 944110). This variant has not been reported in the literature in individuals affected with ATM-related conditions. This variant is not present in population databases (gnomAD no frequency). This sequence change replaces leucine, which is neutral and non-polar, with proline, which is neutral and non-polar, at codon 1555 of the ATM protein (p.Leu1555Pro).

Baylor Genetics
Classification: Uncertain significance for Familial cancer of breast. Last evaluated: 2023-07-29. Review status: criteria provided, single submitter. Criteria: ACMG Guidelines, 2015. Collection method: clinical testing. Allele origin: unknown.

NM_000051.4(ATM):c.4664T>C (p.Leu1555Pro)

Gene: ATM (ATM serine/threonine kinase; plus strand). Cytogenetic location: 11q22.3.
Variant type: single nucleotide variant.
Coding change: c.4664T>C on transcript NM_000051.4 (MANE Select); coding-DNA position 4664, T replaced by C.
Protein change: p.Leu1555Pro; replaces leucine 1555 with proline.
Molecular consequence: missense variant.
Genome position (GRCh38, 1-based): chr11:108,293,365, T>C. VCF-style: chr11-108293365-T-C. GRCh37 (hg19) VCF-style: chr11-108164092-T-C.
Other names: c.4664T>C, p.Leu1555Pro (NM_001351834.2); short protein forms L1555P.
Identifiers: ClinVar variation 944110 (VCV000944110.11), dbSNP rs1060501524, ClinGen allele CA382534684.